The following is an entry in ClinVar:

ClinVar aggregate classification (germline): Likely pathogenic (1 of 4 stars; one submission).

Submission:

Labcorp Genetics (formerly Invitae), Labcorp
Classification: Likely pathogenic. Last evaluated: 2023-11-01. Review status: criteria provided, single submitter. Criteria: Invitae Variant Classification Sherloc (09022015). Collection method: clinical testing. Allele origin: unknown.
Comment: This variant results in a copy number gain of the genomic region encompassing exon(s) 20-21 of the TRIM37 gene. While the exact position of this variant cannot be determined from the data, sub-genic copy number gains are generally in tandem (PMID: 25640679). This variant is predicted to be out-of-frame, and may result in an absent or disrupted protein product. Loss-of-function variants in TRIM37 are known to be pathogenic (PMID: 10888877, 15108285). This variant has not been reported in the literature in individuals affected with TRIM37-related conditions. In summary, the currently available evidence indicates that the variant is pathogenic, but additional data are needed to prove that conclusively. Therefore, this variant has been classified as Likely Pathogenic.

Literature cited by the submitters: PubMed 25640679; PubMed 10888877; PubMed 15108285.

NC_000017.10:g.(?_57092951)_(57094805_?)dup

Gene: TRIM37 (tripartite motif containing 37; minus strand). Cytogenetic location: 17q22.
Variant type: Duplication.
Identifiers: ClinVar variation 3243191 (VCV003243191.1).